The following is an entry in ClinVar:

ClinVar aggregate classification (germline): Uncertain significance. Review status: criteria provided, multiple submitters, no conflicts (2 of 4 stars). 2 submissions from 2 submitters: Uncertain significance (2). Last evaluated 2022-07-20.

Conditions:
Familial cold autoinflammatory syndrome 2 (FCAS2). Identifiers: Orphanet 247868, MedGen C2673198, MONDO:0012724, OMIM 611762.

Submissions (2):

Department of Human Genetics, Hannover Medical School
Classification: Uncertain significance for Familial cold autoinflammatory syndrome 2. Last evaluated: 2022-07-20. Review status: criteria provided, single submitter. Criteria: ACMG Guidelines, 2015. Collection method: clinical testing. Allele origin: germline. Affected: yes.
Comment: The above mentioned variant is located in exon 3 of the NLRP12 gene. The variant is not listed in the population database. There are no entries for the above variant in either the ClinVar or LOVD databases. Literature data are not currently available. In silico analyses with the program REVEL do not indicate pathogenicity of the above mentioned variant. Too few data are currently available for a conclusive assessment regarding clinical relevance. According to the current ACMG Standards and Guidelines (Richards et al. 2015 Genetics in Medicine) the above mentioned variant is classified as class 3 (VUS).

Labcorp Genetics (formerly Invitae), Labcorp
Classification: Uncertain significance for Familial cold autoinflammatory syndrome 2. Last evaluated: 2022-02-04. Review status: criteria provided, single submitter. Criteria: Invitae Variant Classification Sherloc (09022015). Collection method: clinical testing. Allele origin: germline.
Comment: This variant has not been reported in the literature in individuals affected with NLRP12-related conditions. This variant is not present in population databases (gnomAD no frequency). This sequence change replaces serine, which is neutral and polar, with arginine, which is basic and polar, at codon 631 of the NLRP12 protein (p.Ser631Arg). Algorithms developed to predict the effect of missense changes on protein structure and function are either unavailable or do not agree on the potential impact of this missense change (SIFT: "Deleterious"; PolyPhen-2: "Benign"; Align-GVGD: "Class C15"). In summary, the available evidence is currently insufficient to determine the role of this variant in disease. Therefore, it has been classified as a Variant of Uncertain Significance.

NM_144687.4(NLRP12):c.1893C>A (p.Ser631Arg)

Gene: NLRP12 (NLR family pyrin domain containing 12; minus strand). Cytogenetic location: 19q13.42.
Variant type: single nucleotide variant.
Coding change: c.1893C>A on transcript NM_144687.4 (MANE Select); coding-DNA position 1893, C replaced by A.
Protein change: p.Ser631Arg; replaces serine 631 with arginine.
Molecular consequence: missense variant.
Genome position (GRCh38, 1-based): chr19:53,809,766, G>T on the plus strand (C>A on the coding strand, the complement: NLRP12 is on the minus strand). VCF-style: chr19-53809766-G-T. GRCh37 (hg19) VCF-style: chr19-54313020-G-T.
Other names: c.1893C>A, p.Ser631Arg (NM_001277126.2, NM_001277129.1); short protein forms S631R.
Identifiers: ClinVar variation 1696865 (VCV001696865.6), dbSNP rs2122657897, ClinGen allele CA407412134.